The following is an entry in ClinVar:

ClinVar aggregate classification (germline): Uncertain significance. Review status: criteria provided, multiple submitters, no conflicts (2 of 4 stars). 2 submissions from 2 submitters: Uncertain significance (2). Last evaluated 2026-01-13.

Conditions:
Rhabdoid tumor predisposition syndrome 2 (RTPS2). Identifiers: Orphanet 231108, Orphanet 69077, MedGen C2750074, MONDO:0013224, OMIM 613325.
Hereditary cancer-predisposing syndrome. Also called: Tumor predisposition; Hereditary neoplastic syndrome; Hereditary Cancer Syndrome; Neoplastic Syndromes, Hereditary. Identifiers: Orphanet 140162, MedGen C0027672, MeSH D009386, MONDO:0015356.

Allele frequency attached by ClinVar (database versions not stated): gnomAD exomes below 0.00001; gnomAD 0.00001.

Submissions (2):

Ambry Genetics
Classification: Uncertain significance for Hereditary cancer-predisposing syndrome. Last evaluated: 2026-01-13. Review status: criteria provided, single submitter. Criteria: Ambry Variant Classification Scheme 2023. Collection method: clinical testing. Allele origin: germline.
Comment: The p.P34R variant (also known as c.101C>G), located in coding exon 1 of the SMARCA4 gene, results from a C to G substitution at nucleotide position 101. The proline at codon 34 is replaced by arginine, an amino acid with dissimilar properties. This amino acid position is highly conserved in available vertebrate species. In addition, this alteration is predicted to be deleterious by in silico analysis. Based on the available evidence, the clinical significance of this variant remains unclear.

Labcorp Genetics (formerly Invitae), Labcorp
Classification: Uncertain significance for Rhabdoid tumor predisposition syndrome 2. Last evaluated: 2025-05-27. Review status: criteria provided, single submitter. Criteria: Invitae Variant Classification Sherloc (09022015). Collection method: clinical testing. Allele origin: germline.
Comment: This sequence change replaces proline, which is neutral and non-polar, with arginine, which is basic and polar, at codon 34 of the SMARCA4 protein (p.Pro34Arg). This variant is not present in population databases (gnomAD no frequency). This variant has not been reported in the literature in individuals affected with SMARCA4-related conditions. ClinVar contains an entry for this variant (Variation ID: 936287). Experimental studies and prediction algorithms are not available or were not evaluated, and the functional significance of this variant is currently unknown. In summary, the available evidence is currently insufficient to determine the role of this variant in disease. Therefore, it has been classified as a Variant of Uncertain Significance.

NM_003072.5(SMARCA4):c.101C>G (p.Pro34Arg)

Gene: SMARCA4 (SWI/SNF related BAF chromatin remodeling complex subunit ATPase 4; plus strand). Cytogenetic location: 19p13.2.
Variant type: single nucleotide variant.
Coding change: c.101C>G on transcript NM_003072.5 (MANE Select); coding-DNA position 101, C replaced by G.
Protein change: p.Pro34Arg; replaces proline 34 with arginine.
Molecular consequence: missense variant. On other transcripts: non-coding transcript variant (1).
Genome position (GRCh38, 1-based): chr19:10,984,252, C>G. VCF-style: chr19-10984252-C-G. GRCh37 (hg19) VCF-style: chr19-11094928-C-G.
Other names: c.101C>G, p.Pro34Arg (NM_001128844.3, NM_001128845.2, NM_001128846.2 and 4 more transcripts); short protein forms P34R.
Identifiers: ClinVar variation 936287 (VCV000936287.10), dbSNP rs2085811631, ClinGen allele CA404054208.